The following is an entry in ClinVar:

NM_001042413.2(GLIS3):c.536G>A (p.Ser179Asn)

Gene: GLIS3 (GLIS family zinc finger 3; minus strand). Cytogenetic location: 9p24.2.
Variant type: single nucleotide variant.
Coding change: c.536G>A on transcript NM_001042413.2 (MANE Select); coding-DNA position 536, G replaced by A.
Protein change: p.Ser179Asn; replaces serine 179 with asparagine.
Molecular consequence: missense variant. On other transcripts: intron variant (3).
Genome position (GRCh38, 1-based): chr9:4,125,794, C>T on the plus strand (G>A on the coding strand, the complement: GLIS3 is on the minus strand). VCF-style: chr9-4125794-C-T. GRCh37 (hg19) VCF-style: chr9-4125794-C-T.
Other names: c.536G>A, p.Ser179Asn (NM_001438906.1, NM_001438907.1, NM_001438908.1 and 2 more transcripts); c.71G>A, p.Ser24Asn (NM_001438909.1, NM_001438915.1, NM_152629.4); c.-70-6913G>A (NM_001438912.1, NM_001438911.1, NM_001438916.1); short protein forms S179N, S24N.
Identifiers: ClinVar variation 4991119 (VCV004991119.1).

ClinVar aggregate classification (germline): Uncertain significance (1 of 4 stars; one submission).

Conditions:
GLIS3-related disorder. Also called: GLIS3-related condition.

Submission:

PreventionGenetics, part of Exact Sciences
Classification: Uncertain significance for GLIS3-related condition. Last evaluated: 2026-07-28. Review status: criteria provided, single submitter. Criteria: ACMG Guidelines, 2015. Collection method: clinical testing. Allele origin: germline.
Comment: The GLIS3 c.536G>A variant is predicted to result in the amino acid substitution p.Ser179Asn. To our knowledge, this variant has not been reported in the literature or in a large population database (gnomAD), indicating this variant is rare. At this time, the clinical significance of this variant is uncertain due to the absence of conclusive functional and genetic evidence.